The following is an entry in ClinVar:

NM_007327.4(GRIN1):c.1339+9_1339+10delinsTT

Gene: GRIN1 (glutamate ionotropic receptor NMDA type subunit 1; plus strand). Cytogenetic location: 9q34.3.
Variant type: Indel.
Coding change: c.1339+9_1339+10delinsTT on transcript NM_007327.4 (MANE Select); bases 9 to 10 of the intron after coding-DNA position 1339, GC replaced by TT.
Molecular consequence: intron variant.
Genome position (GRCh38, 1-based): chr9:137,161,206-137,161,207, GC replaced by TT. VCF-style: chr9-137161206-GC-TT. GRCh37 (hg19) VCF-style: chr9-140055658-GC-TT.
Other names: c.1402+9_1402+10delinsTT (NM_001185090.2, NM_001185091.2); c.1339+9_1339+10delinsTT (NM_021569.4, NM_000832.7).
Identifiers: ClinVar variation 2855886 (VCV002855886.3), dbSNP rs2538625124, ClinGen allele CA2739265231.

ClinVar aggregate classification (germline): Uncertain significance (1 of 4 stars; one submission).

Conditions:
Neurodevelopmental disorder with or without hyperkinetic movements and seizures, autosomal dominant. Also called: Intellectual disability, autosomal dominant 8. Identifiers: MedGen C3280282, MONDO:0013655, OMIM 614254.

Submission:

Labcorp Genetics (formerly Invitae), Labcorp
Classification: Uncertain significance for Neurodevelopmental disorder with or without hyperkinetic movements and seizures, autosomal dominant. Last evaluated: 2024-02-29. Review status: criteria provided, single submitter. Criteria: Invitae Variant Classification Sherloc (09022015). Collection method: clinical testing. Allele origin: germline.
Comment: This sequence change falls in intron 9 of the GRIN1 gene. It does not directly change the encoded amino acid sequence of the GRIN1 protein. Information on the frequency of this variant in the gnomAD database is not available, as this variant may be reported differently in the database. This variant has not been reported in the literature in individuals affected with GRIN1-related conditions. Experimental studies and prediction algorithms are not available or were not evaluated, and the effect of this variant on mRNA splicing is currently unknown. In summary, the available evidence is currently insufficient to determine the role of this variant in disease. Therefore, it has been classified as a Variant of Uncertain Significance.